The following is an entry in ClinVar:

NM_000492.4(CFTR):c.4109A>G (p.Asp1370Gly)

Gene: CFTR (CF transmembrane conductance regulator; plus strand). Cytogenetic location: 7q31.2.
Variant type: single nucleotide variant.
Coding change: c.4109A>G on transcript NM_000492.4 (MANE Select); coding-DNA position 4109, A replaced by G.
Protein change: p.Asp1370Gly; replaces aspartic acid 1370 with glycine.
Molecular consequence: missense variant.
Genome position (GRCh38, 1-based): chr7:117,664,833, A>G. VCF-style: chr7-117664833-A-G. GRCh37 (hg19) VCF-style: chr7-117304887-A-G.
Other names: short protein forms D1370G.
Identifiers: ClinVar variation 1513112 (VCV001513112.6), dbSNP rs766124395, ClinGen allele CA4451634.
Genomic context (GRCh38, chr7:117,664,833, plus strand): 5'-ACAAGCAGTTGATGTGCTTGGCTAGATCTGTTCTCAGTAAGGCGAAGATCTTGCTGCTTG[A>G]TGAACCCAGTGCTCATTTGGATCCAGTGTGAGTTTCAGATGTTCTGTTACTTAATAGCAC-3'
Protein context (NP_000483.3, residues 1360-1380): VLSKAKILLL[Asp1370Gly]EPSAHLDPVT

ClinVar aggregate classification (germline): Uncertain significance. Review status: criteria provided, multiple submitters, no conflicts (2 of 4 stars). 2 submissions from 2 submitters: Uncertain significance (2). Last evaluated 2023-04-20.

Conditions:
Cystic fibrosis (CF). Also called: MUCOVISCIDOSIS. Identifiers: Orphanet 586, MedGen C0010674, MONDO:0009061, OMIM 219700. Disease mechanism: loss of function.

Allele frequency attached by ClinVar (database versions not stated): TOPMed below 0.00001; gnomAD exomes 0.00001; ExAC 0.00002.
gnomAD v4.1: 4 of 1,614,014 alleles (0.00025%); highest among the groups gnomAD compares: Non-Finnish European, 0.00034%; no homozygotes.

Submissions (2):

Blueprint Genetics
Classification: Uncertain significance. Last evaluated: 2023-04-20. Review status: criteria provided, single submitter. Criteria: ACMG Guidelines, 2015. Collection method: clinical testing. Allele origin: germline.

Labcorp Genetics (formerly Invitae), Labcorp
Classification: Uncertain significance for Cystic fibrosis. Last evaluated: 2021-08-28. Review status: criteria provided, single submitter. Criteria: Invitae Variant Classification Sherloc (09022015). Collection method: clinical testing. Allele origin: germline.
Comment: This sequence change replaces aspartic acid with glycine at codon 1370 of the CFTR protein (p.Asp1370Gly). The aspartic acid residue is highly conserved and there is a moderate physicochemical difference between aspartic acid and glycine. This variant is present in population databases (rs766124395, ExAC 0.003%). This variant has not been reported in the literature in individuals affected with CFTR-related conditions. Algorithms developed to predict the effect of missense changes on protein structure and function (SIFT, PolyPhen-2, Align-GVGD) all suggest that this variant is likely to be disruptive. In summary, the available evidence is currently insufficient to determine the role of this variant in disease. Therefore, it has been classified as a Variant of Uncertain Significance.